The following is an entry in ClinVar:

ClinVar aggregate classification (germline): Uncertain significance (1 of 4 stars; one submission).

Submission:

Labcorp Genetics (formerly Invitae), Labcorp
Classification: Uncertain significance. Last evaluated: 2022-10-05. Review status: criteria provided, single submitter. Criteria: Invitae Variant Classification Sherloc (09022015). Collection method: clinical testing. Allele origin: germline.
Comment: In summary, the available evidence is currently insufficient to determine the role of this variant in disease. Therefore, it has been classified as a Variant of Uncertain Significance. Algorithms developed to predict the effect of missense changes on protein structure and function are either unavailable or do not agree on the potential impact of this missense change (SIFT: "Not Available"; PolyPhen-2: "Benign"; Align-GVGD: "Not Available"). This variant has not been reported in the literature in individuals affected with PSMB4-related conditions. This variant is present in population databases (no rsID available, gnomAD 0.04%). This sequence change replaces glutamic acid, which is acidic and polar, with valine, which is neutral and non-polar, at codon 197 of the PSMB4 protein (p.Glu197Val).

NM_002796.3(PSMB4):c.590_591inv (p.Glu197Val)

Gene: PSMB4 (proteasome 20S subunit beta 4; plus strand). Cytogenetic location: 1q21.3.
Variant type: Inversion.
Coding change: c.590_591inv on transcript NM_002796.3 (MANE Select).
Protein change: p.Glu197Val; replaces glutamic acid 197 with valine.
Molecular consequence: missense variant.
Genome position: GRCh38 VCF-style: chr1-151401252-AA-TT. GRCh37 (hg19) VCF-style: chr1-151373728-AA-TT.
Other names: short protein forms E197V.
Identifiers: ClinVar variation 1966869 (VCV001966869.5), ClinGen allele CA2580061021.